The following is an entry in ClinVar:

ClinVar aggregate classification (germline): Uncertain significance (1 of 4 stars; one submission).

Conditions:
Hereditary cancer-predisposing syndrome. Also called: Hereditary Cancer Syndrome; Hereditary neoplastic syndrome; Tumor predisposition; Neoplastic Syndromes, Hereditary. Identifiers: Orphanet 140162, MedGen C0027672, MeSH D009386, MONDO:0015356.
Cardiovascular phenotype. Identifiers: MedGen CN230736.

Submission:

Ambry Genetics
Classification: Uncertain significance for Cardiovascular phenotype; Hereditary cancer-predisposing syndrome. Last evaluated: 2024-10-20. Review status: criteria provided, single submitter. Criteria: Ambry Variant Classification Scheme 2023. Collection method: clinical testing. Allele origin: germline.
Comment: The p.I513V variant (also known as c.1537A>G), located in coding exon 14 of the LZTR1 gene, results from an A to G substitution at nucleotide position 1537. The isoleucine at codon 513 is replaced by valine, an amino acid with highly similar properties. This amino acid position is conserved. In addition, this alteration is predicted to be tolerated by in silico analysis. Based on the available evidence, the clinical significance of this variant remains unclear.

NM_006767.4(LZTR1):c.1537A>G (p.Ile513Val)

Gene: LZTR1 (leucine zipper like post translational regulator 1; plus strand). Cytogenetic location: 22q11.21.
Variant type: single nucleotide variant.
Coding change: c.1537A>G on transcript NM_006767.4 (MANE Select); coding-DNA position 1537, A replaced by G.
Protein change: p.Ile513Val; replaces isoleucine 513 with valine.
Molecular consequence: missense variant.
Genome position (GRCh38, 1-based): chr22:20,994,191, A>G. VCF-style: chr22-20994191-A-G. GRCh37 (hg19) VCF-style: chr22-21348480-A-G.
Other names: short protein forms I513V.
Identifiers: ClinVar variation 3541668 (VCV003541668.1).